The following is an entry in ClinVar:

ClinVar aggregate classification (germline): Uncertain significance (1 of 4 stars; one submission).

Submission:

Labcorp Genetics (formerly Invitae), Labcorp
Classification: Uncertain significance. Last evaluated: 2025-12-01. Review status: criteria provided, single submitter. Criteria: Invitae Variant Classification Sherloc (09022015). Collection method: clinical testing. Allele origin: germline.
Comment: This sequence change replaces glutamine, which is neutral and polar, with arginine, which is basic and polar, at codon 435 of the GABRB1 protein (p.Gln435Arg). This variant is not present in population databases (gnomAD no frequency). This variant has not been reported in the literature in individuals affected with GABRB1-related conditions. ClinVar contains an entry for this variant (Variation ID: 3639308). Invitae Evidence Modeling of protein sequence and biophysical properties (such as structural, functional, and spatial information, amino acid conservation, physicochemical variation, residue mobility, and thermodynamic stability) indicates that this missense variant is not expected to disrupt GABRB1 protein function with a negative predictive value of 80%. In summary, the available evidence is currently insufficient to determine the role of this variant in disease. Therefore, it has been classified as a Variant of Uncertain Significance.

NM_000812.4(GABRB1):c.1304A>G (p.Gln435Arg)

Gene: GABRB1 (gamma-aminobutyric acid type A receptor subunit beta1; plus strand). Cytogenetic location: 4p12.
Variant type: single nucleotide variant.
Coding change: c.1304A>G on transcript NM_000812.4 (MANE Select); coding-DNA position 1304, A replaced by G.
Protein change: p.Gln435Arg; replaces glutamine 435 with arginine.
Molecular consequence: missense variant.
Genome position (GRCh38, 1-based): chr4:47,425,897, A>G. VCF-style: chr4-47425897-A-G. GRCh37 (hg19) VCF-style: chr4-47427914-A-G.
Other names: short protein forms Q435R.
Identifiers: ClinVar variation 3639308 (VCV003639308.2).